The following is an entry in ClinVar:

ClinVar aggregate classification (germline): Uncertain significance. Review status: criteria provided, multiple submitters, no conflicts (2 of 4 stars). 4 submissions from 4 submitters: Uncertain significance (4). Last evaluated 2025-06-12.

Allele frequency attached by ClinVar (database versions not stated): TOPMed below 0.00001; ExAC 0.00001; 1000 Genomes Project 0.00020; gnomAD 0.00001; 1000 Genomes Project 30x 0.00016.
gnomAD v4.1: 23 of 1,612,362 alleles (0.0014%); highest among the groups gnomAD compares: Middle Eastern, 0.099%; no homozygotes.

Submissions (4):

Labcorp Genetics (formerly Invitae), Labcorp
Classification: Uncertain significance. Last evaluated: 2025-06-12. Review status: criteria provided, single submitter. Criteria: Invitae Variant Classification Sherloc (09022015). Collection method: clinical testing. Allele origin: germline.
Comment: This sequence change replaces leucine, which is neutral and non-polar, with phenylalanine, which is neutral and non-polar, at codon 385 of the APOL1 protein (p.Leu385Phe). This variant is present in population databases (rs190804942, gnomAD 0.007%). This variant has not been reported in the literature in individuals affected with APOL1-related conditions. ClinVar contains an entry for this variant (Variation ID: 999501). An algorithm developed to predict the effect of missense changes on protein structure and function (PolyPhen-2) suggests that this variant is likely to be disruptive. In summary, the available evidence is currently insufficient to determine the role of this variant in disease. Therefore, it has been classified as a Variant of Uncertain Significance.

Blueprint Genetics
Classification: Uncertain significance. Last evaluated: 2024-06-17. Review status: criteria provided, single submitter. Criteria: ACMG Guidelines, 2015. Collection method: clinical testing. Allele origin: germline.

Genetic Services Laboratory, University of Chicago
Classification: Uncertain significance. Last evaluated: 2023-03-31. Review status: criteria provided, single submitter. Criteria: ACMG Guidelines, 2015. Collection method: clinical testing. Allele origin: germline. Affected: no.
Comment: DNA sequence analysis of the APOL1 gene demonstrated a sequence change, c.1153C>T, in exon 6 that results in an amino acid change, p.Leu385Phe. This sequence change has been described in the gnomAD database in one individual corresponding to a population frequency of 0.0004% (dbSNP rs190804942). The p.Leu385Phe change affects a moderately conserved amino acid residue located in a domain of the APOL1 protein that is not known to be functional. In-silico pathogenicity prediction tools (SIFT, PolyPhen2, Align GVGD, REVEL) provide contradictory results for the p.Leu385Phe substitution. This sequence change does not appear to have been previously described in individuals with APOL1-related disorders. Due to insufficient evidences and the lack of functional studies, the clinical significance of the p.Leu385Phe change remains unknown at this time.

Breakthrough Genomics
Classification: Uncertain significance. Review status: criteria provided, single submitter. Criteria: ACMG Guidelines, 2015. Collection method: not provided. Allele origin: germline. Inheritance: Autosomal dominant inheritance. Affected: yes.

NM_003661.4(APOL1):c.1153C>T (p.Leu385Phe)

Gene: APOL1 (apolipoprotein L1; plus strand). Cytogenetic location: 22q12.3.
Variant type: single nucleotide variant.
Coding change: c.1153C>T on transcript NM_003661.4 (MANE Select); coding-DNA position 1153, C replaced by T.
Protein change: p.Leu385Phe; replaces leucine 385 with phenylalanine.
Molecular consequence: missense variant.
Genome position (GRCh38, 1-based): chr22:36,265,989, C>T. VCF-style: chr22-36265989-C-T. GRCh37 (hg19) VCF-style: chr22-36662035-C-T.
Other names: c.1153C>T, p.Leu385Phe (NM_001136540.2); c.1099C>T, p.Leu367Phe (NM_001136541.2, NM_001362927.2); c.1201C>T, p.Leu401Phe (NM_145343.3); c.1153C>T (NM_003661.3); short protein forms L367F, L385F, L401F.
Identifiers: ClinVar variation 999501 (VCV000999501.13), dbSNP rs190804942, ClinGen allele CA10208845.